The following is an entry in ClinVar:

NM_000277.3(PAH):c.212G>C (p.Arg71Pro)

Gene: PAH (phenylalanine hydroxylase; minus strand). Cytogenetic location: 12q23.2.
Variant type: single nucleotide variant.
Coding change: c.212G>C on transcript NM_000277.3 (MANE Select); coding-DNA position 212, G replaced by C.
Protein change: p.Arg71Pro; replaces arginine 71 with proline.
Molecular consequence: missense variant.
Genome position (GRCh38, 1-based): chr12:102,894,875, C>G on the plus strand (G>C on the coding strand, the complement: PAH is on the minus strand). VCF-style: chr12-102894875-C-G. GRCh37 (hg19) VCF-style: chr12-103288653-C-G.
Other names: NM_001354304.2:c.212G>C; c.212G>C, p.Arg71Pro (NM_001354304.2); short protein forms R71P.
Identifiers: ClinVar variation 1480944 (VCV001480944.7), dbSNP rs62508695, ClinGen allele CA16020749.

ClinVar aggregate classification (germline): Uncertain significance. Review status: reviewed by expert panel (3 of 4 stars). 2 submissions from 2 submitters: Uncertain significance (1). 1 of the submissions does not count toward it. Last evaluated 2026-06-17.

Conditions:
Phenylketonuria (PKU). Also called: OLIGOPHRENIA PHENYLPYRUVICA; Phenylketonurias; Phenylketonuria (PKU); FOLLING DISEASE. Identifiers: Orphanet 716, MedGen C0031485, MONDO:0009861, OMIM 261600. Disease mechanism: loss of function.

Submissions (2):

ClinGen PAH Variant Curation Expert Panel
Classification: Uncertain significance for Phenylketonuria. Last evaluated: 2026-06-17. Review status: reviewed by expert panel. Criteria: ClinGen PAH ACMG Specifications PAH V2.0.0. Collection method: curation. Allele origin: germline.
Comment: The c.212G>C variant in PAH is a missense variant predicted to cause substitution of arginine by proline at amino acid 71 (p.Arg71Pro). At least one patient with this variant displayed plasma phenylalanine concentration persistently above 120umol/L (2mg/dL), which is highly specific for PAH deficiency (PP4_Supporting, PMID: 32668217). This variant is absent from gnomAD v4.1.0 (PM2_Supporting). The computational predictor REVEL gives a score of 0.743, which is above the threshold of 0.644 but below 0.773, evidence that correlates with supporting impact to PAH function (PP3). Another missense variant, c.212G>A (p.Arg71His) [Variation ID: 102633] in the same codon has been classified as likely pathogenic for PAH deficiency by the ClinGen PAH Variant Curation Expert Panel (PM5_Supporting). In summary, this variant meets the criteria to be classified as uncertain significance for autosomal recessive PAH deficiency based on the ACMG/AMP criteria applied, as specified by the ClinGen PAH Variant Curation Expert Panel: PP3, PP4, PM2_supporting, PM5_supporting (PAH VCEP specifications version 2.0.0; approved July 16, 2024).

Labcorp Genetics (formerly Invitae), Labcorp
Classification: Likely pathogenic for Phenylketonuria. Last evaluated: 2022-10-13. Review status: criteria provided, single submitter. Criteria: Invitae Variant Classification Sherloc (09022015). Collection method: clinical testing. Allele origin: germline. Not counted in ClinVar's aggregate classification.
Comment: This sequence change replaces arginine, which is basic and polar, with proline, which is neutral and non-polar, at codon 71 of the PAH protein (p.Arg71Pro). This variant is not present in population databases (gnomAD no frequency). In summary, the currently available evidence indicates that the variant is pathogenic, but additional data are needed to prove that conclusively. Therefore, this variant has been classified as Likely Pathogenic. This missense change has been observed in individual(s) with clinical features of PAH-related conditions (PMID: 32668217; BIOPKU). This variant disrupts the p.Arg71 amino acid residue in PAH. Other variant(s) that disrupt this residue have been determined to be pathogenic (PMID: 10495930, 29390883). This suggests that this residue is clinically significant, and that variants that disrupt this residue are likely to be disease-causing. ClinVar contains an entry for this variant (Variation ID: 1480944). Advanced modeling of protein sequence and biophysical properties (such as structural, functional, and spatial information, amino acid conservation, physicochemical variation, residue mobility, and thermodynamic stability) performed at Invitae indicates that this missense variant is not expected to disrupt PAH protein function.

Literature cited by the submitters: PubMed 32668217 (cited by Labcorp Genetics (formerly Invitae), Labcorp); PubMed 10495930 (cited by Labcorp Genetics (formerly Invitae), Labcorp); PubMed 29390883 (cited by Labcorp Genetics (formerly Invitae), Labcorp).